The following is an entry in ClinVar:

ClinVar aggregate classification (germline): Likely benign. Review status: criteria provided, multiple submitters, no conflicts (2 of 4 stars). 2 submissions from 2 submitters: Likely benign (2). Last evaluated 2026-08-01.

gnomAD v4.1: 571 of 976,746 alleles (0.058%); highest among the groups gnomAD compares: African/African-American, 0.9%; 5 homozygotes.

Submissions (2):

CeGaT Center for Human Genetics Tuebingen
Classification: Likely benign. Last evaluated: 2026-08-01. Review status: criteria provided, single submitter. Criteria: CeGaT Center For Human Genetics Tuebingen Variant Classification Criteria Version 2. Collection method: clinical testing. Allele origin: germline. Affected: yes. Observed: 2 variant alleles.
Comment: HCN2: BP4, BP7

Blueprint Genetics
Classification: Likely benign. Last evaluated: 2024-11-14. Review status: criteria provided, single submitter. Criteria: ACMG Guidelines, 2015. Collection method: clinical testing. Allele origin: germline.

NM_001194.4(HCN2):c.220C>A (p.Arg74=)

Gene: HCN2 (hyperpolarization activated cyclic nucleotide gated potassium and sodium channel 2; plus strand). Cytogenetic location: 19p13.3.
Variant type: single nucleotide variant.
Coding change: c.220C>A on transcript NM_001194.4 (MANE Select); coding-DNA position 220, C replaced by A.
Protein change: p.Arg74=; no amino-acid change (arginine 74 retained).
Molecular consequence: synonymous variant.
Genome position (GRCh38, 1-based): chr19:590,165, C>A. VCF-style: chr19-590165-C-A. GRCh37 (hg19) VCF-style: chr19-590165-C-A.
Identifiers: ClinVar variation 4534254 (VCV004534254.7).